The following is an entry in ClinVar:

NM_172217.5(IL16):c.*643T>C

Genes: IL16 (interleukin 16; plus strand), STARD5 (StAR related lipid transfer domain containing 5; minus strand). Cytogenetic location: 15q25.1.
Variant type: single nucleotide variant.
Coding change: c.*643T>C on transcript NM_172217.5 (MANE Select); 643 bases downstream of the stop codon, T replaced by C.
Molecular consequence: 3 prime UTR variant. On other transcripts: non-coding transcript variant (2).
Genome position (GRCh38, 1-based): chr15:81,309,441, T>C. VCF-style: chr15-81309441-T-C. GRCh37 (hg19) VCF-style: chr15-81601782-T-C.
Other names: c.*643T>C (NM_001172128.2, NM_001352684.2, NM_001352685.2 and 2 more transcripts); c.*3815A>G (NM_181900.3).
Identifiers: ClinVar variation 1261119 (VCV001261119.4), dbSNP rs1131445, ClinGen allele CA14136770.

ClinVar aggregate classification (germline): Benign. Review status: criteria provided, multiple submitters, no conflicts (2 of 4 stars). 2 submissions from 2 submitters: Benign (2). Last evaluated 2020-07-15.

Allele frequency attached by ClinVar (database versions not stated): 1000 Genomes Project 0.28794; 1000 Genomes Project 30x 0.29201; TOPMed 0.31715; gnomAD 0.32169 and 0.32532; gnomAD exomes 0.32708.
gnomAD v4.1: 49,210 of 152,618 alleles (32%); highest among the groups gnomAD compares: Middle Eastern, 40%; 8,026 homozygotes.

Submissions (2):

GeneDx
Classification: Benign. Last evaluated: 2020-07-15. Review status: criteria provided, single submitter. Criteria: GeneDx Variant Classification Process June 2021. Collection method: clinical testing. Allele origin: germline. Affected: yes.
Comment: This variant is associated with the following publications: (PMID: 24465869)

Breakthrough Genomics
Classification: Benign. Review status: criteria provided, single submitter. Criteria: ACMG Guidelines, 2015. Collection method: not provided. Allele origin: germline. Inheritance: Unknown mechanism. Affected: yes.